The following is an entry in ClinVar:

ClinVar aggregate classification (germline): Uncertain significance (1 of 4 stars; one submission).

gnomAD v4.1: 1 of 1,614,100 alleles (0.000062%); highest among the groups gnomAD compares: African/African-American, 0.0013%; no homozygotes.

Submission:

Labcorp Genetics (formerly Invitae), Labcorp
Classification: Uncertain significance. Last evaluated: 2021-04-14. Review status: criteria provided, single submitter. Criteria: Invitae Variant Classification Sherloc (09022015). Collection method: clinical testing. Allele origin: germline.
Comment: This sequence change replaces arginine with glycine at codon 112 of the KIF20A protein (p.Arg112Gly). The arginine residue is highly conserved and there is a moderate physicochemical difference between arginine and glycine. This variant is not present in population databases (ExAC no frequency). This variant has not been reported in the literature in individuals with KIF20A-related conditions. Algorithms developed to predict the effect of missense changes on protein structure and function (SIFT, PolyPhen-2, Align-GVGD) all suggest that this variant is likely to be disruptive, but these predictions have not been confirmed by published functional studies and their clinical significance is uncertain. In summary, the available evidence is currently insufficient to determine the role of this variant in disease. Therefore, it has been classified as a Variant of Uncertain Significance.

NM_005733.3(KIF20A):c.334C>G (p.Arg112Gly)

Gene: KIF20A (kinesin family member 20A; plus strand). Cytogenetic location: 5q31.2.
Variant type: single nucleotide variant.
Coding change: c.334C>G on transcript NM_005733.3 (MANE Select); coding-DNA position 334, C replaced by G.
Protein change: p.Arg112Gly; replaces arginine 112 with glycine.
Molecular consequence: missense variant.
Genome position (GRCh38, 1-based): chr5:138,181,687, C>G. VCF-style: chr5-138181687-C-G. GRCh37 (hg19) VCF-style: chr5-137517376-C-G.
Other names: short protein forms R112G.
Identifiers: ClinVar variation 1387559 (VCV001387559.8), dbSNP rs765848371, ClinGen allele CA361112502.